The following is an entry in ClinVar:

ClinVar aggregate classification (germline): Uncertain significance. Review status: criteria provided, multiple submitters, no conflicts (2 of 4 stars). 3 submissions from 3 submitters: Uncertain significance (3). Last evaluated 2023-06-19.

Conditions:
Primary dilated cardiomyopathy (DCM). Also called: Dilated Cardiomyopathy. Identifiers: Orphanet 217604, MedGen C0007193, MeSH D002311, MONDO:0005021, HP:0001644. Inheritance: Various modes of inheritance.
Cardiovascular phenotype. Identifiers: MedGen CN230736.

Allele frequency attached by ClinVar (database versions not stated): gnomAD 0.00001.
gnomAD v4.1: 25 of 1,613,696 alleles (0.0015%); highest among the groups gnomAD compares: Middle Eastern, 0.017%; no homozygotes.

Submissions (3):

Ambry Genetics
Classification: Uncertain significance for Cardiovascular phenotype. Last evaluated: 2023-06-19. Review status: criteria provided, single submitter. Criteria: Ambry Variant Classification Scheme 2023. Collection method: clinical testing. Allele origin: germline.
Comment: The p.G200D variant (also known as c.599G>A), located in coding exon 8 of the TXNRD2 gene, results from a G to A substitution at nucleotide position 599. The glycine at codon 200 is replaced by aspartic acid, an amino acid with similar properties. This amino acid position is highly conserved in available vertebrate species. In addition, this alteration is predicted to be deleterious by in silico analysis. Since supporting evidence is limited at this time, the clinical significance of this alteration remains unclear.

GeneDx
Classification: Uncertain significance. Last evaluated: 2020-10-23. Review status: criteria provided, single submitter. Criteria: GeneDx Variant Classification Process June 2021. Collection method: clinical testing. Allele origin: germline. Affected: yes.
Comment: Has not been previously published as pathogenic or benign to our knowledge; Not observed in large population cohorts (Lek et al., 2016); In silico analysis supports that this missense variant has a deleterious effect on protein structure/function

Labcorp Genetics (formerly Invitae), Labcorp
Classification: Uncertain significance for Primary dilated cardiomyopathy. Last evaluated: 2020-02-12. Review status: criteria provided, single submitter. Criteria: Invitae Variant Classification Sherloc (09022015). Collection method: clinical testing. Allele origin: germline.
Comment: This variant has not been reported in the literature in individuals with TXNRD2-related conditions. This variant is not present in population databases (ExAC no frequency). This sequence change replaces glycine with aspartic acid at codon 200 of the TXNRD2 protein (p.Gly200Asp). The glycine residue is highly conserved and there is a moderate physicochemical difference between glycine and aspartic acid. Algorithms developed to predict the effect of missense changes on protein structure and function (SIFT, PolyPhen-2, Align-GVGD) all suggest that this variant is likely to be disruptive, but these predictions have not been confirmed by published functional studies and their clinical significance is uncertain. In summary, the available evidence is currently insufficient to determine the role of this variant in disease. Therefore, it has been classified as a Variant of Uncertain Significance.

NM_006440.5(TXNRD2):c.599G>A (p.Gly200Asp)

Gene: TXNRD2 (thioredoxin reductase 2; minus strand). Cytogenetic location: 22q11.21.
Variant type: single nucleotide variant.
Coding change: c.599G>A on transcript NM_006440.5 (MANE Select); coding-DNA position 599, G replaced by A.
Protein change: p.Gly200Asp; replaces glycine 200 with aspartic acid.
Molecular consequence: missense variant. On other transcripts: non-coding transcript variant (1).
Genome position (GRCh38, 1-based): chr22:19,911,440, C>T on the plus strand (G>A on the coding strand, the complement: TXNRD2 is on the minus strand). VCF-style: chr22-19911440-C-T. GRCh37 (hg19) VCF-style: chr22-19898963-C-T.
Other names: c.599G>A, p.Gly200Asp (NM_001282512.3); c.596G>A, p.Gly199Asp (NM_001352300.2); c.509G>A, p.Gly170Asp (NM_001352301.2); c.311G>A, p.Gly104Asp (NM_001352302.2); c.503G>A, p.Gly168Asp (NM_001352303.2); short protein forms G104D, G168D, G170D, G199D, G200D.
Identifiers: ClinVar variation 1052838 (VCV001052838.12), dbSNP rs112854076, ClinGen allele CA322104749.